The following is an entry in ClinVar:

ClinVar aggregate classification (germline): Uncertain significance (1 of 4 stars; one submission).

Submission:

Labcorp Genetics (formerly Invitae), Labcorp
Classification: Uncertain significance. Last evaluated: 2022-06-19. Review status: criteria provided, single submitter. Criteria: Invitae Variant Classification Sherloc (09022015). Collection method: clinical testing. Allele origin: germline.
Comment: Algorithms developed to predict the effect of missense changes on protein structure and function are either unavailable or do not agree on the potential impact of this missense change (SIFT: "Deleterious"; PolyPhen-2: "Probably Damaging"; Align-GVGD: "Class C0"). In summary, the available evidence is currently insufficient to determine the role of this variant in disease. Therefore, it has been classified as a Variant of Uncertain Significance. This variant has not been reported in the literature in individuals affected with ADGRV1-related conditions. This sequence change replaces valine, which is neutral and non-polar, with glutamic acid, which is acidic and polar, at codon 3735 of the ADGRV1 protein (p.Val3735Glu). This variant is not present in population databases (gnomAD no frequency).

NM_032119.4(ADGRV1):c.11204T>A (p.Val3735Glu)

Gene: ADGRV1 (adhesion G protein-coupled receptor V1; plus strand). Cytogenetic location: 5q14.3.
Variant type: single nucleotide variant.
Coding change: c.11204T>A on transcript NM_032119.4 (MANE Select); coding-DNA position 11204, T replaced by A.
Protein change: p.Val3735Glu; replaces valine 3735 with glutamic acid.
Molecular consequence: missense variant. On other transcripts: non-coding transcript variant (1).
Genome position (GRCh38, 1-based): chr5:90,753,656, T>A. VCF-style: chr5-90753656-T-A. GRCh37 (hg19) VCF-style: chr5-90049473-T-A.
Other names: short protein forms V3735E.
Identifiers: ClinVar variation 2079713 (VCV002079713.4), dbSNP rs2531617555, ClinGen allele CA360364764.
Genomic context (GRCh38, chr5:90,753,656, plus strand): 5'-TACTGTCAACAATCACTCTAACTATTCTTGCTGATAATATACCAGAGTTATCAGAGGTTG[T>A]GATTGTAACCCTCACCCGTATCACCACAGAAGGGGTTGAGGACTCATACAAAGGTGCTAC-3'
Protein context (NP_115495.3, residues 3725-3745): ADNIPELSEV[Val3735Glu]IVTLTRITTE